The following is an entry in ClinVar:

NM_004329.3(BMPR1A):c.284C>G (p.Thr95Arg)

Gene: BMPR1A (bone morphogenetic protein receptor type 1A; plus strand). Cytogenetic location: 10q23.2.
Variant type: single nucleotide variant.
Coding change: c.284C>G on transcript NM_004329.3 (MANE Select); coding-DNA position 284, C replaced by G.
Protein change: p.Thr95Arg; replaces threonine 95 with arginine.
Molecular consequence: missense variant. On other transcripts: non-coding transcript variant (3).
Genome position (GRCh38, 1-based): chr10:86,892,180, C>G. VCF-style: chr10-86892180-C-G. GRCh37 (hg19) VCF-style: chr10-88651937-C-G.
Other names: c.284C>G, p.Thr95Arg (NM_001406559.1, NM_001406560.1, NM_001406561.1 and 23 more transcripts); c.200C>G, p.Thr67Arg (NM_001406584.1, NM_001406585.1, NM_001406586.1 and 2 more transcripts); short protein forms T67R, T95R.
Identifiers: ClinVar variation 3223951 (VCV003223951.1), dbSNP rs2539446048, ClinGen allele CA377448115.

ClinVar aggregate classification (germline): Uncertain significance (1 of 4 stars; one submission).

Conditions:
Hereditary cancer-predisposing syndrome. Also called: Tumor predisposition; Hereditary neoplastic syndrome; Hereditary Cancer Syndrome; Neoplastic Syndromes, Hereditary. Identifiers: Orphanet 140162, MedGen C0027672, MeSH D009386, MONDO:0015356.

Submission:

Ambry Genetics
Classification: Uncertain significance for Hereditary cancer-predisposing syndrome. Last evaluated: 2023-09-28. Review status: criteria provided, single submitter. Criteria: Ambry Variant Classification Scheme 2023. Collection method: clinical testing. Allele origin: germline.
Comment: The p.T95R variant (also known as c.284C>G), located in coding exon 3 of the BMPR1A gene, results from a C to G substitution at nucleotide position 284. The threonine at codon 95 is replaced by arginine, an amino acid with similar properties. This amino acid position is conserved. In addition, the in silico prediction for this alteration is inconclusive. Since supporting evidence is limited at this time, the clinical significance of this alteration remains unclear.